The following is an entry in ClinVar:

ClinVar aggregate classification (germline): Likely pathogenic (1 of 4 stars; one submission).

Conditions:
Developmental and epileptic encephalopathy, 2 (DEE2). Also called: CDKL5 deficiency disorder; INFANTILE SPASM SYNDROME, X-LINKED 2. Identifiers: Orphanet 1934, Orphanet 3451, Orphanet 505652, MedGen C4750718, MONDO:0010396, OMIM 300672.

Submission:

3billion
Classification: Likely pathogenic for Developmental and epileptic encephalopathy, 2. Last evaluated: 2023-06-12. Review status: criteria provided, single submitter. Criteria: ACMG Guidelines, 2015. Collection method: clinical testing. Allele origin: germline. Affected: yes.
Comment: The variant is not observed in the gnomAD v2.1.1 dataset. Predicted Consequence/Location: Frameshift: predicted to result in a loss or disruption of normal protein function through nonsense-mediated decay (NMD) or protein truncation. Multiple pathogenic variants are reported downstream of the variant. Therefore, this variant is classified as Likely pathogenic according to the recommendation of ACMG/AMP guideline.

NM_001323289.2(CDKL5):c.415_416dup (p.Asn140fs)

Gene: CDKL5 (cyclin dependent kinase like 5; plus strand). Cytogenetic location: Xp22.13.
Variant type: Duplication.
Coding change: c.415_416dup on transcript NM_001323289.2 (MANE Select); coding-DNA positions 415 to 416, 2 bases duplicated (GA; older notation c.415_416dupGA).
Protein change: p.Asn140fs; shifts the reading frame from asparagine 140.
Molecular consequence: frameshift variant.
Genome position (GRCh38, 1-based): chrX:18,581,902-18,581,903, GA duplicated; duplicating any 2 consecutive bases within chrX:18,581,901-18,581,903 gives the same sequence; the c. name uses the placement nearest the transcript's 3' end. VCF-style (leftmost placement, unchanged base first): chrX-18581900-C-CAG. GRCh37 (hg19) VCF-style: chrX-18600020-C-CAG.
Other names: c.415_416dup, p.Asn140fs (NM_001037343.2, NM_003159.3); short protein forms N140fs.
Identifiers: ClinVar variation 3776008 (VCV003776008.1).